The following is an entry in ClinVar:

NM_007194.4(CHEK2):c.982T>G (p.Phe328Val)

Gene: CHEK2 (checkpoint kinase 2; minus strand). Cytogenetic location: 22q12.1.
Variant type: single nucleotide variant.
Coding change: c.982T>G on transcript NM_007194.4 (MANE Select); coding-DNA position 982, T replaced by G.
Protein change: p.Phe328Val; replaces phenylalanine 328 with valine.
Molecular consequence: missense variant.
Genome position (GRCh38, 1-based): chr22:28,699,864, A>C on the plus strand (T>G on the coding strand, the complement: CHEK2 is on the minus strand). VCF-style: chr22-28699864-A-C. GRCh37 (hg19) VCF-style: chr22-29095852-A-C.
Other names: c.1111T>G, p.Phe371Val (NM_001005735.3); c.319T>G, p.Phe107Val (NM_001257387.3); c.781T>G, p.Phe261Val (NM_001349956.3); c.982T>G, p.Phe328Val (NM_145862.3); short protein forms F107V, F328V, F261V, F371V.
Identifiers: ClinVar variation 1768345 (VCV001768345.2), dbSNP rs2052760168, ClinGen allele CA411099558.

ClinVar aggregate classification (germline): Uncertain significance (1 of 4 stars; one submission).

Conditions:
Hereditary cancer-predisposing syndrome. Also called: Hereditary Cancer Syndrome; Hereditary neoplastic syndrome; Neoplastic Syndromes, Hereditary; Tumor predisposition. Identifiers: Orphanet 140162, MedGen C0027672, MeSH D009386, MONDO:0015356.

Submission:

Ambry Genetics
Classification: Uncertain significance for Hereditary cancer-predisposing syndrome. Last evaluated: 2022-09-03. Review status: criteria provided, single submitter. Criteria: Ambry Variant Classification Scheme 2023. Collection method: clinical testing. Allele origin: germline.
Comment: The p.F328V variant (also known as c.982T>G), located in coding exon 8 of the CHEK2 gene, results from a T to G substitution at nucleotide position 982. The phenylalanine at codon 328 is replaced by valine, an amino acid with highly similar properties. This amino acid position is conserved. In addition, this alteration is predicted to be deleterious by in silico analysis. Since supporting evidence is limited at this time, the clinical significance of this alteration remains unclear.